The following is an entry in ClinVar:

ClinVar aggregate classification (germline): Likely benign (1 of 4 stars; one submission).

Allele frequency attached by ClinVar (database versions not stated): gnomAD exomes 0.00002; ExAC 0.00008; gnomAD 0.00026; ESP Exome Variant Server 0.00028; TOPMed 0.00029; 1000 Genomes Project 0.00106; 1000 Genomes Project 30x 0.00125.
gnomAD v4.1: 57 of 1,205,859 alleles (0.0047%); highest among the groups gnomAD compares: African/African-American, 0.065%; no homozygotes.

Submission:

CeGaT Center for Human Genetics Tuebingen
Classification: Likely benign. Last evaluated: 2022-09-01. Review status: criteria provided, single submitter. Criteria: CeGaT Center For Human Genetics Tuebingen Variant Classification Criteria Version 2. Collection method: clinical testing. Allele origin: germline. Affected: yes. Observed: 1 variant allele.
Comment: TSPAN6: BP4, BP7

NM_003270.4(TSPAN6):c.510A>G (p.Glu170=)

Gene: TSPAN6 (tetraspanin 6; minus strand). Cytogenetic location: Xq22.1.
Variant type: single nucleotide variant.
Coding change: c.510A>G on transcript NM_003270.4 (MANE Select); coding-DNA position 510, A replaced by G.
Protein change: p.Glu170=; no amino-acid change (glutamic acid 170 retained).
Molecular consequence: synonymous variant.
Genome position (GRCh38, 1-based): chrX:100,633,480, T>C on the plus strand (A>G on the coding strand, the complement: TSPAN6 is on the minus strand). VCF-style: chrX-100633480-T-C. GRCh37 (hg19) VCF-style: chrX-99888477-T-C.
Other names: c.246A>G, p.Glu82= (NM_001278740.2, NM_001278741.1, NM_001278742.1 and 1 more transcripts).
Identifiers: ClinVar variation 2661033 (VCV002661033.24), dbSNP rs76568447, ClinGen allele CA10469271.